The following is an entry in ClinVar:

NM_181703.4(GJA5):c.203A>G (p.Gln68Arg)

Gene: GJA5 (gap junction protein alpha 5; minus strand). Cytogenetic location: 1q21.2.
Variant type: single nucleotide variant.
Coding change: c.203A>G on transcript NM_181703.4 (MANE Select); coding-DNA position 203, A replaced by G.
Protein change: p.Gln68Arg; replaces glutamine 68 with arginine.
Molecular consequence: missense variant.
Genome position (GRCh38, 1-based): chr1:147,759,036, T>C on the plus strand (A>G on the coding strand, the complement: GJA5 is on the minus strand). VCF-style: chr1-147759036-T-C. GRCh37 (hg19) VCF-style: chr1-147231144-T-C.
Other names: c.203A>G, p.Gln68Arg (NM_005266.7); short protein forms Q68R.
Identifiers: ClinVar variation 2097991 (VCV002097991.4), dbSNP rs782334211, ClinGen allele CA1065808.

ClinVar aggregate classification (germline): Uncertain significance (1 of 4 stars; one submission).

Conditions:
Atrial fibrillation, familial, 11 (ATFB11). Identifiers: MedGen C3279693, MONDO:0013544, OMIM 614049.
Atrial standstill 1 (ATRST1). Also called: ATRIAL CARDIOMYOPATHY WITH HEART BLOCK; CARDIOMYOPATHY, FAMILIAL, WITH CONDUCTION DISTURBANCE; Atrial standstill, digenic (GJA5/SCN5A). Identifiers: Orphanet 1344, MedGen C4551959, MONDO:0007171, OMIM 108770.

Allele frequency attached by ClinVar (database versions not stated): ExAC 0.00001.

Submission:

Labcorp Genetics (formerly Invitae), Labcorp
Classification: Uncertain significance for Atrial fibrillation, familial, 11; Atrial standstill 1. Last evaluated: 2025-03-03. Review status: criteria provided, single submitter. Criteria: Invitae Variant Classification Sherloc (09022015). Collection method: clinical testing. Allele origin: germline.
Comment: This sequence change replaces glutamine, which is neutral and polar, with arginine, which is basic and polar, at codon 68 of the GJA5 protein (p.Gln68Arg). The frequency data for this variant in the population databases is considered unreliable, as metrics indicate poor data quality at this position in the gnomAD database. This variant has not been reported in the literature in individuals affected with GJA5-related conditions. ClinVar contains an entry for this variant (Variation ID: 2097991). Invitae Evidence Modeling of protein sequence and biophysical properties (such as structural, functional, and spatial information, amino acid conservation, physicochemical variation, residue mobility, and thermodynamic stability) indicates that this missense variant is not expected to disrupt GJA5 protein function with a negative predictive value of 80%. In summary, the available evidence is currently insufficient to determine the role of this variant in disease. Therefore, it has been classified as a Variant of Uncertain Significance.